The following is an entry in ClinVar:

NM_033026.6(PCLO):c.1643A>G (p.Lys548Arg)

Gene: PCLO (piccolo presynaptic cytomatrix protein; minus strand). Cytogenetic location: 7q21.11.
Variant type: single nucleotide variant.
Coding change: c.1643A>G on transcript NM_033026.6 (MANE Select); coding-DNA position 1643, A replaced by G.
Protein change: p.Lys548Arg; replaces lysine 548 with arginine.
Molecular consequence: missense variant.
Genome position (GRCh38, 1-based): chr7:83,154,998, T>C on the plus strand (A>G on the coding strand, the complement: PCLO is on the minus strand). VCF-style: chr7-83154998-T-C. GRCh37 (hg19) VCF-style: chr7-82784314-T-C.
Other names: c.1643A>G, p.Lys548Arg (NM_014510.3); short protein forms K548R.
Identifiers: ClinVar variation 1515483 (VCV001515483.8), dbSNP rs2116685760, ClinGen allele CA367913266.

ClinVar aggregate classification (germline): Uncertain significance (1 of 4 stars; one submission).

Submission:

Labcorp Genetics (formerly Invitae), Labcorp
Classification: Uncertain significance. Last evaluated: 2021-03-10. Review status: criteria provided, single submitter. Criteria: Invitae Variant Classification Sherloc (09022015). Collection method: clinical testing. Allele origin: germline.
Comment: In summary, the available evidence is currently insufficient to determine the role of this variant in disease. Therefore, it has been classified as a Variant of Uncertain Significance. This variant has not been reported in the literature in individuals with PCLO-related conditions. Algorithms developed to predict the effect of missense changes on protein structure and function are either unavailable or do not agree on the potential impact of this missense change (SIFT: "Tolerated"; PolyPhen-2: "Possibly Damaging"; Align-GVGD: "Class C0"). This variant is not present in population databases (ExAC no frequency). This sequence change replaces lysine with arginine at codon 548 of the PCLO protein (p.Lys548Arg). The lysine residue is moderately conserved and there is a small physicochemical difference between lysine and arginine.